The following is an entry in ClinVar:

ClinVar aggregate classification (germline): Uncertain significance (1 of 4 stars; one submission).

Submission:

Labcorp Genetics (formerly Invitae), Labcorp
Classification: Uncertain significance. Last evaluated: 2024-03-23. Review status: criteria provided, single submitter. Criteria: Invitae Variant Classification Sherloc (09022015). Collection method: clinical testing. Allele origin: germline.
Comment: This sequence change replaces aspartic acid, which is acidic and polar, with glycine, which is neutral and non-polar, at codon 3491 of the KMT2A protein (p.Asp3491Gly). This variant is not present in population databases (gnomAD no frequency). This variant has not been reported in the literature in individuals affected with KMT2A-related conditions. Advanced modeling of protein sequence and biophysical properties (such as structural, functional, and spatial information, amino acid conservation, physicochemical variation, residue mobility, and thermodynamic stability) performed at Invitae indicates that this missense variant is not expected to disrupt KMT2A protein function with a negative predictive value of 95%. In summary, the available evidence is currently insufficient to determine the role of this variant in disease. Therefore, it has been classified as a Variant of Uncertain Significance.

NM_001197104.2(KMT2A):c.10472A>G (p.Asp3491Gly)

Gene: KMT2A (lysine methyltransferase 2A; plus strand). Cytogenetic location: 11q23.3.
Variant type: single nucleotide variant.
Coding change: c.10472A>G on transcript NM_001197104.2 (MANE Select); coding-DNA position 10472, A replaced by G.
Protein change: p.Asp3491Gly; replaces aspartic acid 3491 with glycine.
Molecular consequence: missense variant.
Genome position (GRCh38, 1-based): chr11:118,506,364, A>G. VCF-style: chr11-118506364-A-G. GRCh37 (hg19) VCF-style: chr11-118377079-A-G.
Other names: c.10562A>G, p.Asp3521Gly (NM_001412597.1); c.10463A>G, p.Asp3488Gly (NM_005933.4); short protein forms D3521G, D3488G, D3491G.
Identifiers: ClinVar variation 3634359 (VCV003634359.2).
Genomic context (GRCh38, chr11:118,506,364, plus strand): 5'-CCCAGCGTGATCTTGATTCTGCTTCAGGGCCCCAGGTATCCAACTTTACCCAGACGGTAG[A>G]CGCTCCTAATAGCATGGGACTGGAGCAGAACAAGGCTTTATCCTCAGCTGTGCAAGCCAG-3'
Protein context (NP_001184033.1, residues 3481-3501): PQVSNFTQTV[Asp3491Gly]APNSMGLEQN